The following is an entry in ClinVar:

ClinVar aggregate classification (germline): Uncertain significance (1 of 4 stars; one submission).

Conditions:
Neuronal ceroid lipofuscinosis 11. Also called: GRN-Related Neuronal Ceroid-Lipofuscinosis. Identifiers: Orphanet 314629, Orphanet 79262, MedGen C3539123, MONDO:0013866, OMIM 614706.
GRN-related frontotemporal lobar degeneration with Tdp43 inclusions (FTD2). Also called: DEMENTIA, HEREDITARY DYSPHASIC DISINHIBITION; FRONTOTEMPORAL LOBAR DEGENERATION WITH UBIQUITIN-POSITIVE INCLUSIONS; FTLD-TDP, GRN-RELATED; GRN Frontotemporal Dementia; FRONTOTEMPORAL DEMENTIA WITH TDP43 INCLUSIONS, GRN-RELATED. Identifiers: Orphanet 100070, Orphanet 282, MedGen C1843792, MONDO:0011842, OMIM 607485. Disease mechanism: loss of function.

Submission:

Labcorp Genetics (formerly Invitae), Labcorp
Classification: Uncertain significance for Neuronal ceroid lipofuscinosis 11; GRN-related frontotemporal lobar degeneration with Tdp43 inclusions. Last evaluated: 2024-06-05. Review status: criteria provided, single submitter. Criteria: Invitae Variant Classification Sherloc (09022015). Collection method: clinical testing. Allele origin: germline.
Comment: This sequence change replaces glutamic acid, which is acidic and polar, with aspartic acid, which is acidic and polar, at codon 427 of the GRN protein (p.Glu427Asp). This variant is not present in population databases (gnomAD no frequency). This variant has not been reported in the literature in individuals affected with GRN-related conditions. Advanced modeling of protein sequence and biophysical properties (such as structural, functional, and spatial information, amino acid conservation, physicochemical variation, residue mobility, and thermodynamic stability) performed at Invitae indicates that this missense variant is not expected to disrupt GRN protein function with a negative predictive value of 80%. In summary, the available evidence is currently insufficient to determine the role of this variant in disease. Therefore, it has been classified as a Variant of Uncertain Significance.

NM_002087.4(GRN):c.1281G>T (p.Glu427Asp)

Gene: GRN (granulin precursor; plus strand). Cytogenetic location: 17q21.31.
Variant type: single nucleotide variant.
Coding change: c.1281G>T on transcript NM_002087.4 (MANE Select); coding-DNA position 1281, G replaced by T.
Protein change: p.Glu427Asp; replaces glutamic acid 427 with aspartic acid.
Molecular consequence: missense variant.
Genome position (GRCh38, 1-based): chr17:44,352,116, G>T. VCF-style: chr17-44352116-G-T. GRCh37 (hg19) VCF-style: chr17-42429484-G-T.
Other names: short protein forms E427D.
Identifiers: ClinVar variation 3756294 (VCV003756294.2).